The following is an entry in ClinVar:

ClinVar aggregate classification (germline): Uncertain significance (1 of 4 stars; one submission).

gnomAD v4.1: 2 of 697,654 alleles (0.00029%); highest among the groups gnomAD compares: Non-Finnish European, 0.00026%; no homozygotes.

Submission:

Labcorp Genetics (formerly Invitae), Labcorp
Classification: Uncertain significance. Last evaluated: 2025-10-01. Review status: criteria provided, single submitter. Criteria: Invitae Variant Classification Sherloc (09022015). Collection method: clinical testing. Allele origin: germline.
Comment: This variant occurs in the RNU4ATAC gene, which encodes an RNA molecule that does not result in a protein product. This variant is not present in population databases (gnomAD no frequency). This variant has not been reported in the literature in individuals affected with RNU4ATAC-related conditions. ClinVar contains an entry for this variant (Variation ID: 2795914). This variant is located within the 5' stem-loop region of the RNU4ATAC RNA, which includes the 15.5K binding site and is important for spliceosome assembly (PMID: 32628740). A significant number of disease-associated RNU4ATAC variants are found in this region (PMID: 32628740, 30368667). In summary, the available evidence is currently insufficient to determine the role of this variant in disease. Therefore, it has been classified as a Variant of Uncertain Significance.

Literature cited by the submitters: PubMed 32628740; PubMed 30368667.

NC_000002.12:g.121530907C>G

Genes: CLASP1 (cytoplasmic linker associated protein 1; minus strand), CLASP1-AS1 (CLASP1 antisense RNA 1; plus strand), RNU4ATAC (RNA, U4atac small nuclear; plus strand). Cytogenetic location: 2q14.2.
Variant type: single nucleotide variant.
Molecular consequence: intron variant (on NM_001395891.1).
Genome position: GRCh38 VCF-style: chr2-121530907-C-G. GRCh37 (hg19) VCF-style: chr2-122288483-C-G.
Other names: c.196-582G>C (NM_001395891.1, NM_001378004.1, NM_001142273.2 and 5 more transcripts).
Identifiers: ClinVar variation 2795914 (VCV002795914.3), dbSNP rs146450524, ClinGen allele CA428887871.